The following is an entry in ClinVar:

NM_024747.6(HPS6):c.1708C>T (p.Gln570Ter)

Gene: HPS6 (HPS6 biogenesis of lysosomal organelles complex 2 subunit 3; plus strand). Cytogenetic location: 10q24.32.
Variant type: single nucleotide variant.
Coding change: c.1708C>T on transcript NM_024747.6 (MANE Select); coding-DNA position 1708, C replaced by T.
Protein change: p.Gln570Ter; replaces glutamine 570 with a stop codon.
Molecular consequence: nonsense.
Genome position (GRCh38, 1-based): chr10:102,067,182, C>T. VCF-style: chr10-102067182-C-T. GRCh37 (hg19) VCF-style: chr10-103826939-C-T.
Other names: short protein forms Q570*.
Identifiers: ClinVar variation 2012303 (VCV002012303.4), dbSNP rs2540988395, ClinGen allele CA377871087.

ClinVar aggregate classification (germline): Pathogenic (1 of 4 stars; one submission).

Submission:

Labcorp Genetics (formerly Invitae), Labcorp
Classification: Pathogenic. Last evaluated: 2022-07-07. Review status: criteria provided, single submitter. Criteria: Invitae Variant Classification Sherloc (09022015). Collection method: clinical testing. Allele origin: germline.
Comment: For these reasons, this variant has been classified as Pathogenic. This variant disrupts a region of the HPS6 protein in which other variant(s) (p.Arg607*) have been determined to be pathogenic (PMID: 30387913, 32725903). This suggests that this is a clinically significant region of the protein, and that variants that disrupt it are likely to be disease-causing. This variant has not been reported in the literature in individuals affected with HPS6-related conditions. This variant is not present in population databases (gnomAD no frequency). This sequence change creates a premature translational stop signal (p.Gln570*) in the HPS6 gene. While this is not anticipated to result in nonsense mediated decay, it is expected to disrupt the last 206 amino acid(s) of the HPS6 protein.

Literature cited by the submitters: PubMed 30387913; PubMed 32725903.